The following is an entry in ClinVar:

ClinVar aggregate classification (germline): Uncertain significance (1 of 4 stars; one submission).

Conditions:
SAMD11-related disorder. Also called: SAMD11-related condition.

Submission:

PreventionGenetics, part of Exact Sciences
Classification: Uncertain significance for SAMD11-related condition. Last evaluated: 2023-08-25. Review status: criteria provided, single submitter. Criteria: ACMG Guidelines, 2015. Collection method: clinical testing. Allele origin: germline.
Comment: The SAMD11 c.179G>A variant is predicted to result in the amino acid substitution p.Gly60Glu. To our knowledge, this variant has not been reported in the literature or in a large population database, indicating this variant is rare. At this time, the clinical significance of this variant is uncertain due to the absence of conclusive functional and genetic evidence.

NM_001385641.1(SAMD11):c.716G>A (p.Gly239Glu)

Gene: SAMD11 (sterile alpha motif domain containing 11; plus strand). Cytogenetic location: 1p36.33.
Variant type: single nucleotide variant.
Coding change: c.716G>A on transcript NM_001385641.1 (MANE Select); coding-DNA position 716, G replaced by A.
Protein change: p.Gly239Glu; replaces glycine 239 with glutamic acid.
Molecular consequence: missense variant.
Genome position (GRCh38, 1-based): chr1:930,261, G>A. VCF-style: chr1-930261-G-A. GRCh37 (hg19) VCF-style: chr1-865641-G-A.
Other names: c.716G>A, p.Gly239Glu (NM_001385640.1); c.179G>A, p.Gly60Glu (NM_152486.4); short protein forms G239E, G60E.
Identifiers: ClinVar variation 2631721 (VCV002631721.1), dbSNP rs2100306794, ClinGen allele CA337791936.